The following is an entry in ClinVar:

NM_019892.6(INPP5E):c.937-3C>G

Gene: INPP5E (inositol polyphosphate-5-phosphatase E; minus strand). Cytogenetic location: 9q34.3.
Variant type: single nucleotide variant.
Coding change: c.937-3C>G on transcript NM_019892.6 (MANE Select); 3 bases into the intron before coding-DNA position 937, C replaced by G.
Molecular consequence: intron variant.
Genome position (GRCh38, 1-based): chr9:136,434,137, G>C on the plus strand (C>G on the coding strand, the complement: INPP5E is on the minus strand). VCF-style: chr9-136434137-G-C. GRCh37 (hg19) VCF-style: chr9-139328589-G-C.
Other names: c.937-3C>G (NM_001318502.2).
Identifiers: ClinVar variation 2503227 (VCV002503227.1), dbSNP rs1404421521, ClinGen allele CA2580615405.

ClinVar aggregate classification (germline): Uncertain significance (1 of 4 stars; one submission).

Submission:

GeneDx
Classification: Uncertain significance. Last evaluated: 2022-11-28. Review status: criteria provided, single submitter. Criteria: GeneDx Variant Classification Process June 2021. Collection method: clinical testing. Allele origin: germline. Affected: yes.
Comment: Not observed at significant frequency in large population cohorts (gnomAD); In silico analysis supports a deleterious effect on splicing; Has not been previously published as pathogenic or benign to our knowledge